The following is an entry in ClinVar:

ClinVar aggregate classification (germline): Benign/Likely benign. Review status: criteria provided, multiple submitters, no conflicts (2 of 4 stars). 5 submissions from 5 submitters: Benign (2); Likely benign (3). Last evaluated 2026-01-27.

Conditions:
Spondylocostal dysostosis 1, autosomal recessive (SCDO1). Also called: DLL3-Related Spondylocostal Dysostosis, Autosomal Recessive. Identifiers: Orphanet 2311, MedGen CN032975, MONDO:0020692, OMIM 277300.

Allele frequency attached by ClinVar (database versions not stated): gnomAD exomes 0.00040 and 0.00046; ExAC 0.00062; gnomAD 0.00511 and 0.00553; TOPMed 0.00585; 1000 Genomes Project 0.00639; 1000 Genomes Project 30x 0.00812.
gnomAD v4.1: 1,410 of 1,445,684 alleles (0.098%); highest among the groups gnomAD compares: African/African-American, 1.8%; 12 homozygotes.

Submissions (5):

Labcorp Genetics (formerly Invitae), Labcorp
Classification: Likely benign. Last evaluated: 2026-01-27. Review status: criteria provided, single submitter. Criteria: Invitae Variant Classification Sherloc (09022015). Collection method: clinical testing. Allele origin: germline.

ARUP Laboratories, Molecular Genetics and Genomics, ARUP Laboratories
Classification: Benign for Spondylocostal dysostosis 1, autosomal recessive. Last evaluated: 2024-10-28. Review status: criteria provided, single submitter. Criteria: ARUP Molecular Germline Variant Investigation Process 2024. Collection method: clinical testing. Allele origin: germline.

Blueprint Genetics
Classification: Likely benign. Last evaluated: 2024-10-24. Review status: criteria provided, single submitter. Criteria: ACMG Guidelines, 2015. Collection method: clinical testing. Allele origin: germline.

GeneDx
Classification: Benign. Last evaluated: 2016-10-17. Review status: criteria provided, single submitter. Criteria: GeneDx Variant Classification (06012015). Collection method: clinical testing. Allele origin: germline. Affected: yes.
Comment: This variant is considered likely benign or benign based on one or more of the following criteria: it is a conservative change, it occurs at a poorly conserved position in the protein, it is predicted to be benign by multiple in silico algorithms, and/or has population frequency not consistent with disease.

Breakthrough Genomics
Classification: Likely benign. Review status: criteria provided, single submitter. Criteria: ACMG Guidelines, 2015. Collection method: not provided. Allele origin: germline. Inheritance: Autosomal recessive inheritance. Affected: yes.

NM_203486.3(DLL3):c.543T>C (p.Pro181=)

Genes: DLL3 (delta like canonical Notch ligand 3; plus strand), LOC130064417 (ATAC-STARR-seq lymphoblastoid silent region 10608; plus strand). Cytogenetic location: 19q13.2.
Variant type: single nucleotide variant.
Coding change: c.543T>C on transcript NM_203486.3 (MANE Select); coding-DNA position 543, T replaced by C.
Protein change: p.Pro181=; no amino-acid change (proline 181 retained).
Molecular consequence: synonymous variant.
Genome position (GRCh38, 1-based): chr19:39,502,948, T>C. VCF-style: chr19-39502948-T-C. GRCh37 (hg19) VCF-style: chr19-39993588-T-C.
Other names: c.543T>C, p.Pro181= (NM_016941.4).
Identifiers: ClinVar variation 386780 (VCV000386780.25), dbSNP rs115194365, ClinGen allele CA9432211.